The following is an entry in ClinVar:

ClinVar aggregate classification (germline): Uncertain significance (1 of 4 stars; one submission).

gnomAD v4.1: 1 of 1,600,310 alleles (0.000062%); highest among the groups gnomAD compares: Non-Finnish European, 0.000085%; no homozygotes.

Submission:

Labcorp Genetics (formerly Invitae), Labcorp
Classification: Uncertain significance. Last evaluated: 2025-11-27. Review status: criteria provided, single submitter. Criteria: Invitae Variant Classification Sherloc (09022015). Collection method: clinical testing. Allele origin: germline.
Comment: This sequence change replaces serine, which is neutral and polar, with leucine, which is neutral and non-polar, at codon 252 of the SLC18A3 protein (p.Ser252Leu). This variant is not present in population databases (gnomAD no frequency). This variant has not been reported in the literature in individuals affected with SLC18A3-related conditions. Invitae Evidence Modeling of protein sequence and biophysical properties (such as structural, functional, and spatial information, amino acid conservation, physicochemical variation, residue mobility, and thermodynamic stability) indicates that this missense variant is not expected to disrupt SLC18A3 protein function with a negative predictive value of 80%. In summary, the available evidence is currently insufficient to determine the role of this variant in disease. Therefore, it has been classified as a Variant of Uncertain Significance.

NM_003055.3(SLC18A3):c.755C>T (p.Ser252Leu)

Genes: CHAT (choline O-acetyltransferase; plus strand), SLC18A3 (solute carrier family 18 member A3; plus strand). Cytogenetic location: 10q11.23.
Variant type: single nucleotide variant.
Coding change: c.755C>T on transcript NM_003055.3 (MANE Select); coding-DNA position 755, C replaced by T.
Protein change: p.Ser252Leu; replaces serine 252 with leucine.
Molecular consequence: missense variant. On other transcripts: intron variant (1).
Genome position (GRCh38, 1-based): chr10:49,611,495, C>T. VCF-style: chr10-49611495-C-T. GRCh37 (hg19) VCF-style: chr10-50819541-C-T.
Other names: c.-69+2296C>T (NM_020984.4); short protein forms S252L.
Identifiers: ClinVar variation 4797980 (VCV004797980.1).